The following is an entry in ClinVar:

NM_014915.3(ANKRD26):c.1897G>T (p.Val633Leu)

Gene: ANKRD26 (ankyrin repeat domain 26; minus strand). Cytogenetic location: 10p12.1.
Variant type: single nucleotide variant.
Coding change: c.1897G>T on transcript NM_014915.3 (MANE Select); coding-DNA position 1897, G replaced by T.
Protein change: p.Val633Leu; replaces valine 633 with leucine.
Molecular consequence: missense variant.
Genome position (GRCh38, 1-based): chr10:27,046,441, C>A on the plus strand (G>T on the coding strand, the complement: ANKRD26 is on the minus strand). VCF-style: chr10-27046441-C-A. GRCh37 (hg19) VCF-style: chr10-27335370-C-A.
Other names: c.1894G>T, p.Val632Leu (NM_001256053.2); short protein forms V632L, V633L.
Identifiers: ClinVar variation 4858968 (VCV004858968.1).

ClinVar aggregate classification (germline): Uncertain significance (1 of 4 stars; one submission).

Conditions:
Inborn genetic diseases. Identifiers: MedGen C0950123, MeSH D030342.

Submission:

Ambry Genetics
Classification: Uncertain significance for Inborn genetic diseases. Last evaluated: 2026-03-21. Review status: criteria provided, single submitter. Criteria: Ambry Variant Classification Scheme 2023. Collection method: clinical testing. Allele origin: germline.
Comment: The p.V633L variant (also known as c.1897G>T), located in coding exon 18 of the ANKRD26 gene, results from a G to T substitution at nucleotide position 1897. The valine at codon 633 is replaced by leucine, an amino acid with highly similar properties. This amino acid position is conserved. In addition, this alteration is predicted to be tolerated by in silico analysis. Based on the available evidence, the clinical significance of this variant remains unclear.